The following is an entry in ClinVar:

ClinVar aggregate classification (germline): Uncertain significance (1 of 4 stars; one submission).

Conditions:
Rhabdoid tumor predisposition syndrome 2 (RTPS2). Identifiers: Orphanet 231108, Orphanet 69077, MedGen C2750074, MONDO:0013224, OMIM 613325.

gnomAD v4.1: 1 of 1,541,384 alleles (0.000065%); highest among the groups gnomAD compares: Admixed American, 0.002%; no homozygotes.

Submission:

Labcorp Genetics (formerly Invitae), Labcorp
Classification: Uncertain significance for Rhabdoid tumor predisposition syndrome 2. Last evaluated: 2025-09-19. Review status: criteria provided, single submitter. Criteria: Invitae Variant Classification Sherloc (09022015). Collection method: clinical testing. Allele origin: germline.
Comment: This sequence change replaces proline, which is neutral and non-polar, with leucine, which is neutral and non-polar, at codon 232 of the SMARCA4 protein (p.Pro232Leu). This variant is present in population databases (no rsID available, gnomAD 0.004%). This variant has not been reported in the literature in individuals affected with SMARCA4-related conditions. An algorithm developed to predict the effect of missense changes on protein structure and function (PolyPhen-2) suggests that this variant is likely to be tolerated. In summary, the available evidence is currently insufficient to determine the role of this variant in disease. Therefore, it has been classified as a Variant of Uncertain Significance.

NM_003072.5(SMARCA4):c.695C>T (p.Pro232Leu)

Gene: SMARCA4 (SWI/SNF related BAF chromatin remodeling complex subunit ATPase 4; plus strand). Cytogenetic location: 19p13.2.
Variant type: single nucleotide variant.
Coding change: c.695C>T on transcript NM_003072.5 (MANE Select); coding-DNA position 695, C replaced by T.
Protein change: p.Pro232Leu; replaces proline 232 with leucine.
Molecular consequence: missense variant. On other transcripts: non-coding transcript variant (1).
Genome position (GRCh38, 1-based): chr19:10,986,528, C>T. VCF-style: chr19-10986528-C-T. GRCh37 (hg19) VCF-style: chr19-11097204-C-T.
Other names: c.695C>T, p.Pro232Leu (NM_001128844.3, NM_001128845.2, NM_001128846.2 and 6 more transcripts); short protein forms P232L.
Identifiers: ClinVar variation 4705400 (VCV004705400.1).